The following is an entry in ClinVar:

NM_001184880.2(PCDH19):c.2675+1G>C

Gene: PCDH19 (protocadherin 19; minus strand). Cytogenetic location: Xq22.1.
Variant type: single nucleotide variant.
Coding change: c.2675+1G>C on transcript NM_001184880.2 (MANE Select); the canonical splice donor site of the intron after coding-DNA position 2675, G replaced by C.
Molecular consequence: splice donor variant.
Genome position (GRCh38, 1-based): chrX:100,350,645, C>G on the plus strand (G>C on the coding strand, the complement: PCDH19 is on the minus strand). VCF-style: chrX-100350645-C-G. GRCh37 (hg19) VCF-style: chrX-99605643-C-G.
Other names: c.2534+1G>C (NM_020766.3, NM_001105243.2).
Identifiers: ClinVar variation 3383060 (VCV003383060.2).
Genomic context (GRCh38, chrX:100,350,645, plus strand): 5'-GTTTTGCTTTTTAATGTTAAATCAAGCTTAGTTGCAGCAATAAGCAAGCAAACCAACATA[C>G]CTCTTGATTAAATGGGCTCGGCTATTCACGTAGTTGGAGTCAAAAGAATAGTTTTCAGTC-3'

ClinVar aggregate classification (germline): Pathogenic (1 of 4 stars; one submission).

Conditions:
Developmental and epileptic encephalopathy, 9 (DEE9). Also called: Early infantile epileptic encephalopathy 9; JUBERG-HELLMAN SYNDROME; PCDH19-Related X-Linked Female-Limited Epilepsy with Mental Retardation; EPILEPSY, FEMALE-RESTRICTED, WITH MENTAL RETARDATION. Identifiers: Orphanet 101039, Orphanet 2076, MedGen C1848137, MONDO:0010246, OMIM 300088. Disease mechanism: loss of function.

Submission:

Juno Genomics, Hangzhou Juno Genomics, Inc
Classification: Pathogenic for Developmental and epileptic encephalopathy, 9. Review status: criteria provided, single submitter. Criteria: ACMG Guidelines, 2015. Collection method: clinical testing. Allele origin: germline. Affected: yes.
Comment: Null variant in a gene where loss of function (LOF) is a known mechanism of disease.;Absent from controls (or at extremely low frequency if recessive) in Genome Aggregation Database, Exome Sequencing Project, 1000 Genomes Project, or Exome Aggregation Consortium.;Assumed de novo, but without confirmation of paternity and maternity.;The prevalence of the variant in affected individuals is significantly increased compared to the prevalence in controls.